The following is an entry in ClinVar:

ClinVar aggregate classification (germline): Uncertain significance (1 of 4 stars; one submission).

Conditions:
Congenital glucose-galactose malabsorption (GGM). Also called: MONOSACCHARIDE MALABSORPTION; DIARRHEA 16. Identifiers: Orphanet 35710, MedGen C0268186, MONDO:0011731, OMIM 606824.

Allele frequency attached by ClinVar (database versions not stated): TOPMed below 0.00001; ExAC 0.00001; gnomAD exomes 0.00001; gnomAD 0.00003 and 0.00004.
gnomAD v4.1: 21 of 1,612,690 alleles (0.0013%); highest among the groups gnomAD compares: African/African-American, 0.004%; no homozygotes.

Submission:

Labcorp Genetics (formerly Invitae), Labcorp
Classification: Uncertain significance for Congenital glucose-galactose malabsorption. Last evaluated: 2024-12-16. Review status: criteria provided, single submitter. Criteria: Invitae Variant Classification Sherloc (09022015). Collection method: clinical testing. Allele origin: germline.
Comment: This sequence change replaces isoleucine, which is neutral and non-polar, with threonine, which is neutral and polar, at codon 154 of the SLC5A1 protein (p.Ile154Thr). This variant is present in population databases (rs565272257, gnomAD 0.008%). This variant has not been reported in the literature in individuals affected with SLC5A1-related conditions. ClinVar contains an entry for this variant (Variation ID: 1415108). Invitae Evidence Modeling of protein sequence and biophysical properties (such as structural, functional, and spatial information, amino acid conservation, physicochemical variation, residue mobility, and thermodynamic stability) has been performed for this missense variant. However, the output from this modeling did not meet the statistical confidence thresholds required to predict the impact of this variant on SLC5A1 protein function. In summary, the available evidence is currently insufficient to determine the role of this variant in disease. Therefore, it has been classified as a Variant of Uncertain Significance.

NM_000343.4(SLC5A1):c.461T>C (p.Ile154Thr)

Gene: SLC5A1 (solute carrier family 5 member 1; plus strand). Cytogenetic location: 22q12.3.
Variant type: single nucleotide variant.
Coding change: c.461T>C on transcript NM_000343.4 (MANE Select); coding-DNA position 461, T replaced by C.
Protein change: p.Ile154Thr; replaces isoleucine 154 with threonine.
Molecular consequence: missense variant.
Genome position (GRCh38, 1-based): chr22:32,068,584, T>C. VCF-style: chr22-32068584-T-C. GRCh37 (hg19) VCF-style: chr22-32464571-T-C.
Other names: c.80T>C, p.Ile27Thr (NM_001256314.2); short protein forms I154T, I27T.
Identifiers: ClinVar variation 1415108 (VCV001415108.4), dbSNP rs565272257, ClinGen allele CA10197961.